The following is an entry in ClinVar:

ClinVar aggregate classification (germline): Uncertain significance (1 of 4 stars; one submission).

Conditions:
Primary dilated cardiomyopathy (DCM). Also called: Dilated Cardiomyopathy. Identifiers: Orphanet 217604, MedGen C0007193, MeSH D002311, MONDO:0005021, HP:0001644. Inheritance: Various modes of inheritance.
Hypertrophic cardiomyopathy. Also called: HYPERTROPHIC MYOCARDIOPATHY. Identifiers: Orphanet 217569, MedGen C0007194, MeSH D002312, MONDO:0005045, HP:0001639.

Submission:

Labcorp Genetics (formerly Invitae), Labcorp
Classification: Uncertain significance for Hypertrophic cardiomyopathy; Primary dilated cardiomyopathy. Last evaluated: 2024-01-30. Review status: criteria provided, single submitter. Criteria: Invitae Variant Classification Sherloc (09022015). Collection method: clinical testing. Allele origin: germline.
Comment: This sequence change affects the initiator methionine of the PDLIM3 mRNA. The next in-frame methionine is located at codon 60. This variant is not present in population databases (gnomAD no frequency). This variant has not been reported in the literature in individuals affected with PDLIM3-related conditions. Experimental studies and prediction algorithms are not available or were not evaluated, and the functional significance of this variant is currently unknown. In summary, the available evidence is currently insufficient to determine the role of this variant in disease. Therefore, it has been classified as a Variant of Uncertain Significance.

NM_014476.6(PDLIM3):c.-21_9del (p.Met1_Gln3del)

Gene: PDLIM3 (PDZ and LIM domain 3; minus strand). Cytogenetic location: 4q35.1.
Variant type: Deletion.
Coding change: c.-21_9del on transcript NM_014476.6 (MANE Select); 21 bases upstream of the start codon through coding-DNA position 9, 30 bases deleted (GGTGGGCGGGAGGAAGGCGGCATGCCCCAG).
Protein change: p.Met1_Gln3del.
Molecular consequence: inframe deletion, initiator codon variant. On other transcripts: non-coding transcript variant (1).
Genome position (GRCh38, 1-based): chr4:185,535,426-185,535,455, CTGGGGCATGCCGCCTTCCTCCCGCCCACC deleted on the plus strand (GGTGGGCGGGAGGAAGGCGGCATGCCCCAG on the coding strand, the reverse complement: PDLIM3 is on the minus strand). VCF-style (leftmost placement, unchanged base first): chr4-185535425-TCTGGGGCATGCCGCCTTCCTCCCGCCCACC-T. GRCh37 (hg19) VCF-style: chr4-186456579-TCTGGGGCATGCCGCCTTCCTCCCGCCCACC-T.
Other names: c.-21_9del, p.Met1_Gln3del (NM_001114107.5, NM_001257962.2, NM_001257963.2).
Identifiers: ClinVar variation 3763814 (VCV003763814.2).